The following is an entry in ClinVar:

ClinVar aggregate classification (germline): Benign. Review status: criteria provided, multiple submitters, no conflicts (2 of 4 stars). 9 submissions from 9 submitters: Benign (7). 2 of the submissions do not count toward it. Last evaluated 2026-02-03.

Conditions:
Dilated cardiomyopathy 1JJ (CMD1JJ). Identifiers: Orphanet 154, MedGen C3808935, MONDO:0014095, OMIM 615235.
Cardiomyopathy (CMYO). Also called: Cardiomyopathies. Identifiers: Orphanet 167848, MedGen C0878544, MONDO:0004994, HP:0001638. Inheritance: Various modes of inheritance.

Allele frequency attached by ClinVar (database versions not stated): gnomAD exomes 0.00125 and 0.00333; ExAC 0.00419; 1000 Genomes Project 0.01198; 1000 Genomes Project 30x 0.01234; ESP Exome Variant Server 0.01461; gnomAD 0.01341 and 0.01462; TOPMed 0.01515.
gnomAD v4.1: 3,978 of 1,613,954 alleles (0.25%); highest among the groups gnomAD compares: African/African-American, 4.7%; 94 homozygotes.

Submissions (9):

Labcorp Genetics (formerly Invitae), Labcorp
Classification: Benign for Dilated cardiomyopathy 1JJ. Last evaluated: 2026-02-03. Review status: criteria provided, single submitter. Criteria: Invitae Variant Classification Sherloc (09022015). Collection method: clinical testing. Allele origin: germline.

Women's Health and Genetics/Laboratory Corporation of America, LabCorp
Classification: Benign. Last evaluated: 2023-07-30. Review status: criteria provided, single submitter. Criteria: LabCorp Variant Classification Summary - May 2015. Collection method: clinical testing. Allele origin: germline.

Fulgent Genetics
Classification: Benign for Dilated cardiomyopathy 1JJ. Last evaluated: 2022-01-05. Review status: criteria provided, single submitter. Criteria: ACMG Guidelines, 2015. Collection method: clinical testing. Allele origin: unknown.

ARUP Laboratories, Molecular Genetics and Genomics, ARUP Laboratories
Classification: Benign for Dilated cardiomyopathy 1JJ. Last evaluated: 2021-02-04. Review status: criteria provided, single submitter. Criteria: ARUP Molecular Germline Variant Investigation Process 2021. Collection method: clinical testing. Allele origin: germline.

CHEO Genetics Diagnostic Laboratory, Children's Hospital of Eastern Ontario
Classification: Benign for Cardiomyopathy. Last evaluated: 2016-04-07. Review status: criteria provided, single submitter. Criteria: ACMG Guidelines, 2015. Collection method: clinical testing. Allele origin: germline. Study: Canadian Open Genetics Repository.

GeneDx
Classification: Benign. Last evaluated: 2014-01-17. Review status: criteria provided, single submitter. Criteria: GeneDx Variant Classification (06012015). Collection method: clinical testing. Allele origin: germline. Affected: yes.
Comment: This variant is considered likely benign or benign based on one or more of the following criteria: it is a conservative change, it occurs at a poorly conserved position in the protein, it is predicted to be benign by multiple in silico algorithms, and/or has population frequency not consistent with disease.

Laboratory for Molecular Medicine, Mass General Brigham Personalized Medicine
Classification: Benign. Last evaluated: 2012-01-06. Review status: criteria provided, single submitter. Criteria: LMM Criteria. Collection method: clinical testing. Allele origin: germline. Observed: 28 variant alleles.
Comment: Pro177Pro in exon 6 of LAMA4: This variant is classified as benign because it do es not change the amino acid and is frequent in the general population (rs617422 28, MAF >1%).

Clinical Genetics DNA and cytogenetics Diagnostics Lab, Erasmus MC, Erasmus Medical Center
Classification: Benign. Review status: no assertion criteria provided. Collection method: clinical testing. Allele origin: germline. Affected: yes. Study: VKGL Data-share Consensus. Not counted in ClinVar's aggregate classification.

Clinical Genetics, Academic Medical Center
Classification: Benign. Review status: no assertion criteria provided. Collection method: clinical testing. Allele origin: germline. Affected: yes. Study: VKGL Data-share Consensus. Not counted in ClinVar's aggregate classification.

NM_001105206.3(LAMA4):c.531C>T (p.Pro177=)

Gene: LAMA4 (laminin subunit alpha 4; minus strand). Cytogenetic location: 6q21.
Variant type: single nucleotide variant.
Coding change: c.531C>T on transcript NM_001105206.3 (MANE Select); coding-DNA position 531, C replaced by T.
Protein change: p.Pro177=; no amino-acid change (proline 177 retained).
Molecular consequence: synonymous variant.
Genome position (GRCh38, 1-based): chr6:112,191,823, G>A on the plus strand (C>T on the coding strand, the complement: LAMA4 is on the minus strand). VCF-style: chr6-112191823-G-A. GRCh37 (hg19) VCF-style: chr6-112513025-G-A.
Other names: p.P177P:CCC>CCT; c.531C>T (NM_001105206.2); c.531C>T, p.Pro177= (NM_002290.5, NM_001105207.3).
Identifiers: ClinVar variation 44407 (VCV000044407.29), dbSNP rs61742228, ClinGen allele CA282403.
Genomic context (GRCh38, chr6:112,191,823, plus strand): 5'-CAGGTTGGGATCTGAATTTCCACTGCAGTCACATTTCTTACAGGTGCTTCCAATGAGTAA[G>A]GGGTTTCCATAGTAACCGGGAGCACATCTGAAGAGGAATATCACACATTTAAATATTTAG-3'
Protein context (NP_001098676.2, residues 167-187): ERCAPGYYGN[Pro177=]LLIGSTCKKC